The following is an entry in ClinVar:

ClinVar aggregate classification (germline): Conflicting classifications of pathogenicity. Review status: criteria provided, conflicting classifications (1 of 4 stars). 5 submissions from 5 submitters: Uncertain significance (1); Benign (2); Likely benign (1). 1 of the submissions does not count toward it. Last evaluated 2026-01-08.

Conditions:
ITGA7-related disorder. Also called: ITGA7-related condition.
Congenital muscular dystrophy due to integrin alpha-7 deficiency. Also called: MYOPATHY, CONGENITAL, DUE TO INTEGRIN ALPHA-7 DEFICIENCY; Congenital muscular dystrophy with integrin alpha-7 deficiency; Muscular dystrophy, congenital, due to ITGA7 deficiency. Identifiers: Orphanet 34520, MedGen C2750786, MONDO:0013177, OMIM 613204.

Allele frequency attached by ClinVar (database versions not stated): gnomAD 0.00072 and 0.00075; TOPMed 0.00078; ESP Exome Variant Server 0.00138.
gnomAD v4.1: 1,097 of 1,613,898 alleles (0.068%); highest among the groups gnomAD compares: Middle Eastern, 0.016%; 10 homozygotes.

Submissions (5):

Labcorp Genetics (formerly Invitae), Labcorp
Classification: Benign for Congenital muscular dystrophy due to integrin alpha-7 deficiency. Last evaluated: 2026-01-08. Review status: criteria provided, single submitter. Criteria: Invitae Variant Classification Sherloc (09022015). Collection method: clinical testing. Allele origin: germline.

CeGaT Center for Human Genetics Tuebingen
Classification: Benign. Last evaluated: 2023-02-01. Review status: criteria provided, single submitter. Criteria: CeGaT Center For Human Genetics Tuebingen Variant Classification Criteria Version 2. Collection method: clinical testing. Allele origin: germline. Affected: yes. Observed: 1 variant allele.
Comment: ITGA7: BS1, BS2

GeneDx
Classification: Likely benign. Last evaluated: 2016-04-14. Review status: criteria provided, single submitter. Criteria: GeneDx Variant Classification (06012015). Collection method: clinical testing. Allele origin: germline. Affected: yes.
Comment: This variant is considered likely benign or benign based on one or more of the following criteria: it is a conservative change, it occurs at a poorly conserved position in the protein, it is predicted to be benign by multiple in silico algorithms, and/or has population frequency not consistent with disease.

Eurofins Ntd Llc (ga)
Classification: Uncertain significance. Last evaluated: 2014-12-05. Review status: criteria provided, single submitter. Criteria: EGL Classification Definitions 2015. Collection method: clinical testing. Allele origin: germline. Observed: 1 variant allele, 1 heterozygote.

PreventionGenetics, part of Exact Sciences
Classification: Benign for ITGA7-related condition. Last evaluated: 2024-09-27. Review status: no assertion criteria provided. Collection method: clinical testing. Allele origin: germline. Not counted in ClinVar's aggregate classification.
Comment: This variant is classified as benign based on ACMG/AMP sequence variant interpretation guidelines (Richards et al. 2015 PMID: 25741868, with internal and published modifications).

NM_002206.3(ITGA7):c.2293A>G (p.Ile765Val)

Genes: ITGA7 (integrin subunit alpha 7; minus strand), LOC126861535 (CDK7 strongly-dependent group 2 enhancer GRCh37_chr12:56087579-56088778; plus strand). Cytogenetic location: 12q13.2.
Variant type: single nucleotide variant.
Coding change: c.2293A>G on transcript NM_002206.3 (MANE Select); coding-DNA position 2293, A replaced by G.
Protein change: p.Ile765Val; replaces isoleucine 765 with valine.
Molecular consequence: missense variant.
Genome position (GRCh38, 1-based): chr12:55,694,507, T>C on the plus strand (A>G on the coding strand, the complement: ITGA7 is on the minus strand). VCF-style: chr12-55694507-T-C. GRCh37 (hg19) VCF-style: chr12-56088291-T-C.
Other names: c.2305A>G, p.Ile769Val (NM_001144996.2); c.2014A>G, p.Ile672Val (NM_001144997.2); c.1966A>G, p.Ile656Val (NM_001367993.1); c.949A>G, p.Ile317Val (NM_001367994.1); c.2275A>G, p.Ile759Val (NM_001374465.1); c.2425A>G, p.Ile809Val (NM_001410977.1); c.2287A>G, p.Ile763Val (NM_001414029.1); c.2218A>G, p.Ile740Val (NM_001414030.1); and 5 more; short protein forms I765V, I672V, I656V, I317V, I769V, I759V, I809V, I652V.
Identifiers: ClinVar variation 194731 (VCV000194731.42), dbSNP rs148641361, ClinGen allele CA240869.